The following is an entry in ClinVar:

NM_002444.3(MSN):c.1193A>G (p.Glu398Gly)

Gene: MSN (moesin; plus strand). Cytogenetic location: Xq12.
Variant type: single nucleotide variant.
Coding change: c.1193A>G on transcript NM_002444.3 (MANE Select); coding-DNA position 1193, A replaced by G.
Protein change: p.Glu398Gly; replaces glutamic acid 398 with glycine.
Molecular consequence: missense variant.
Genome position (GRCh38, 1-based): chrX:65,737,280, A>G. VCF-style: chrX-65737280-A-G. GRCh37 (hg19) VCF-style: chrX-64957142-A-G.
Other names: short protein forms E398G.
Identifiers: ClinVar variation 1485005 (VCV001485005.8), dbSNP rs1448225501, ClinGen allele CA413413468.

ClinVar aggregate classification (germline): Uncertain significance (1 of 4 stars; one submission).

Allele frequency attached by ClinVar (database versions not stated): gnomAD 0.00001; gnomAD exomes 0.00001.
gnomAD v4.1: 7 of 1,209,599 alleles (0.00058%); highest among the groups gnomAD compares: African/African-American, 0.0017%; no homozygotes.

Submission:

Labcorp Genetics (formerly Invitae), Labcorp
Classification: Uncertain significance. Last evaluated: 2021-06-28. Review status: criteria provided, single submitter. Criteria: Invitae Variant Classification Sherloc (09022015). Collection method: clinical testing. Allele origin: germline.
Comment: This sequence change replaces glutamic acid with glycine at codon 398 of the MSN protein (p.Glu398Gly). The glutamic acid residue is highly conserved and there is a moderate physicochemical difference between glutamic acid and glycine. This variant is not present in population databases (ExAC no frequency). This variant has not been reported in the literature in individuals with MSN-related conditions. Algorithms developed to predict the effect of missense changes on protein structure and function are either unavailable or do not agree on the potential impact of this missense change (SIFT: "Deleterious"; PolyPhen-2: "Possibly Damaging"; Align-GVGD: "Class C0"). In summary, the available evidence is currently insufficient to determine the role of this variant in disease. Therefore, it has been classified as a Variant of Uncertain Significance.